The following is an entry in ClinVar:

ClinVar aggregate classification (germline): Uncertain significance. Review status: criteria provided, multiple submitters, no conflicts (2 of 4 stars). 2 submissions from 2 submitters: Uncertain significance (2). Last evaluated 2024-09-08.

Conditions:
Inborn genetic diseases. Identifiers: MedGen C0950123, MeSH D030342.

Allele frequency attached by ClinVar (database versions not stated): TOPMed 0.00001; gnomAD 0.00003; ExAC 0.00007; ESP Exome Variant Server 0.00008.
gnomAD v4.1: 44 of 1,614,016 alleles (0.0027%); highest among the groups gnomAD compares: East Asian, 0.027%; no homozygotes.

Submissions (2):

Ambry Genetics
Classification: Uncertain significance for Inborn genetic diseases. Last evaluated: 2024-09-08. Review status: criteria provided, single submitter. Criteria: Ambry Variant Classification Scheme 2023. Collection method: clinical testing. Allele origin: germline.

CeGaT Center for Human Genetics Tuebingen
Classification: Uncertain significance. Last evaluated: 2023-04-01. Review status: criteria provided, single submitter. Criteria: CeGaT Center For Human Genetics Tuebingen Variant Classification Criteria Version 2. Collection method: clinical testing. Allele origin: germline. Affected: yes. Observed: 1 variant allele.
Comment: MIA3: PM2, BP4

NM_198551.4(MIA3):c.2728A>G (p.Thr910Ala)

Gene: MIA3 (MIA SH3 domain ER export factor 3; plus strand). Cytogenetic location: 1q41.
Variant type: single nucleotide variant.
Coding change: c.2728A>G on transcript NM_198551.4 (MANE Select); coding-DNA position 2728, A replaced by G.
Protein change: p.Thr910Ala; replaces threonine 910 with alanine.
Molecular consequence: missense variant.
Genome position (GRCh38, 1-based): chr1:222,629,948, A>G. VCF-style: chr1-222629948-A-G. GRCh37 (hg19) VCF-style: chr1-222803290-A-G.
Other names: c.2728A>G (NM_198551.2); c.2236A>G, p.Thr746Ala (NM_001324064.2); c.2728A>G, p.Thr910Ala (NM_001324062.2, NM_001324063.2); short protein forms T746A, T910A.
Identifiers: ClinVar variation 2639916 (VCV002639916.25), dbSNP rs372579977, ClinGen allele CA1406938.